The following is an entry in ClinVar:

NM_006231.4(POLE):c.1865T>C (p.Ile622Thr)

Gene: POLE (DNA polymerase epsilon, catalytic subunit; minus strand). Cytogenetic location: 12q24.33.
Variant type: single nucleotide variant.
Coding change: c.1865T>C on transcript NM_006231.4 (MANE Select); coding-DNA position 1865, T replaced by C.
Protein change: p.Ile622Thr; replaces isoleucine 622 with threonine.
Molecular consequence: missense variant.
Genome position (GRCh38, 1-based): chr12:132,668,869, A>G on the plus strand (T>C on the coding strand, the complement: POLE is on the minus strand). VCF-style: chr12-132668869-A-G. GRCh37 (hg19) VCF-style: chr12-133245455-A-G.
Other names: short protein forms I622T.
Identifiers: ClinVar variation 3422057 (VCV003422057.2).
Genomic context (GRCh38, chr12:132,668,869, plus strand): 5'-ACCTGCAGGCGGTTGGTCAGGATGATGTTGGGGTACATGGCCCCCACGTCCAGGTGGTAG[A>G]TGAGTGGACACTCGATGCGGCTGGGAACGTCCTTCAGGGAGGCAAGCTTGCTCTTAATCT-3'
Protein context (NP_006222.2, residues 612-632): DVPSRIECPL[Ile622Thr]YHLDVGAMYP

ClinVar aggregate classification (germline): Uncertain significance. Review status: criteria provided, multiple submitters, no conflicts (2 of 4 stars). 2 submissions from 2 submitters: Uncertain significance (2). Last evaluated 2025-12-22.

Conditions:
Hereditary cancer-predisposing syndrome. Also called: Neoplastic Syndromes, Hereditary; Tumor predisposition; Hereditary Cancer Syndrome; Hereditary neoplastic syndrome. Identifiers: Orphanet 140162, MedGen C0027672, MeSH D009386, MONDO:0015356.

Submissions (2):

Labcorp Genetics (formerly Invitae), Labcorp
Classification: Uncertain significance. Last evaluated: 2025-12-22. Review status: criteria provided, single submitter. Criteria: Invitae Variant Classification Sherloc (09022015). Collection method: clinical testing. Allele origin: germline.
Comment: This sequence change replaces isoleucine, which is neutral and non-polar, with threonine, which is neutral and polar, at codon 622 of the POLE protein (p.Ile622Thr). This variant is not present in population databases (gnomAD no frequency). This variant has not been reported in the literature in individuals affected with POLE-related conditions. ClinVar contains an entry for this variant (Variation ID: 3422057). Invitae Evidence Modeling of protein sequence and biophysical properties (such as structural, functional, and spatial information, amino acid conservation, physicochemical variation, residue mobility, and thermodynamic stability) indicates that this missense variant is expected to disrupt POLE protein function with a positive predictive value of 80%. In summary, the available evidence is currently insufficient to determine the role of this variant in disease. Therefore, it has been classified as a Variant of Uncertain Significance.

Ambry Genetics
Classification: Uncertain significance for Hereditary cancer-predisposing syndrome. Last evaluated: 2024-07-09. Review status: criteria provided, single submitter. Criteria: Ambry Variant Classification Scheme 2023. Collection method: clinical testing. Allele origin: germline.
Comment: The p.I622T variant (also known as c.1865T>C), located in coding exon 17 of the POLE gene, results from a T to C substitution at nucleotide position 1865. The isoleucine at codon 622 is replaced by threonine, an amino acid with similar properties. This amino acid position is conserved. In addition, this alteration is predicted to be deleterious by in silico analysis. Based on the available evidence, the clinical significance of this variant remains unclear.